The following is an entry in ClinVar:

NM_006070.6(TFG):c.68G>T (p.Arg23Leu)

Gene: TFG (trafficking from ER to golgi regulator; plus strand). Cytogenetic location: 3q12.2.
Variant type: single nucleotide variant.
Coding change: c.68G>T on transcript NM_006070.6 (MANE Select); coding-DNA position 68, G replaced by T.
Protein change: p.Arg23Leu; replaces arginine 23 with leucine.
Molecular consequence: missense variant.
Genome position (GRCh38, 1-based): chr3:100,713,753, G>T. VCF-style: chr3-100713753-G-T. GRCh37 (hg19) VCF-style: chr3-100432597-G-T.
Other names: c.68G>T, p.Arg23Leu (NM_001007565.2, NM_001195478.2, NM_001195479.2); short protein forms R23L.
Identifiers: ClinVar variation 1217000 (VCV001217000.3), dbSNP rs774808090, ClinGen allele CA353836846.
Genomic context (GRCh38, chr3:100,713,753, plus strand): 5'-GACAGTTGGATCTAAGTGGGAAGCTAATCATCAAAGCTCAACTTGGGGAGGATATTCGGC[G>T]AATTCCTATTCATAATGAAGATATTACTTATGATGAATTAGTGCTAATGATGCAACGAGT-3'
Protein context (NP_006061.2, residues 13-33): IKAQLGEDIR[Arg23Leu]IPIHNEDITY

ClinVar aggregate classification (germline): Uncertain significance (1 of 4 stars; one submission).

gnomAD v4.1: 7 of 1,610,662 alleles (0.00043%); highest among the groups gnomAD compares: Non-Finnish European, 0.00059%; no homozygotes.

Submission:

GeneDx
Classification: Uncertain significance. Last evaluated: 2019-09-16. Review status: criteria provided, single submitter. Criteria: GeneDx Variant Classification Process June 2021. Collection method: clinical testing. Allele origin: germline. Affected: yes.
Comment: Not observed in large population cohorts (Lek et al., 2016); In silico analysis, which includes protein predictors and evolutionary conservation, supports a deleterious effect; Has not been previously published as pathogenic or benign to our knowledge